The following is an entry in ClinVar:

ClinVar aggregate classification (germline): Uncertain significance (1 of 4 stars; one submission).

Submission:

CeGaT Center for Human Genetics Tuebingen
Classification: Uncertain significance. Last evaluated: 2025-10-01. Review status: criteria provided, single submitter. Criteria: CeGaT Center For Human Genetics Tuebingen Variant Classification Criteria Version 2. Collection method: clinical testing. Allele origin: germline. Affected: yes. Observed: 1 variant allele.
Comment: SEC24D: PM2, BP4

NM_014822.4(SEC24D):c.409G>A (p.Ala137Thr)

Gene: SEC24D (SEC24 homolog D, COPII component; minus strand). Cytogenetic location: 4q26.
Variant type: single nucleotide variant.
Coding change: c.409G>A on transcript NM_014822.4 (MANE Select); coding-DNA position 409, G replaced by A.
Protein change: p.Ala137Thr; replaces alanine 137 with threonine.
Molecular consequence: missense variant.
Genome position (GRCh38, 1-based): chr4:118,815,715, C>T on the plus strand (G>A on the coding strand, the complement: SEC24D is on the minus strand). VCF-style: chr4-118815715-C-T. GRCh37 (hg19) VCF-style: chr4-119736870-C-T.
Other names: c.409G>A, p.Ala137Thr (NM_001318066.2); short protein forms A137T.
Identifiers: ClinVar variation 4534438 (VCV004534438.6).